The following is an entry in ClinVar:

ClinVar aggregate classification (germline): Likely benign. Review status: criteria provided, multiple submitters, no conflicts (2 of 4 stars). 2 submissions from 2 submitters: Likely benign (2). Last evaluated 2025-07-28.

Conditions:
P3H1-related disorder. Also called: P3H1-related condition.

gnomAD v4.1: 99 of 1,614,222 alleles (0.0061%); highest among the groups gnomAD compares: East Asian, 0.036%; no homozygotes.

Submissions (2):

PreventionGenetics, part of Exact Sciences
Classification: Likely benign for P3H1-related condition. Last evaluated: 2025-07-28. Review status: criteria provided, single submitter. Criteria: ACMG Guidelines, 2015. Collection method: clinical testing. Allele origin: germline.
Comment: This variant is classified as likely benign based on ACMG/AMP sequence variant interpretation guidelines (Richards et al. 2015 PMID: 25741868, with internal and published modifications).

Blueprint Genetics
Classification: Likely benign. Last evaluated: 2024-05-14. Review status: criteria provided, single submitter. Criteria: ACMG Guidelines, 2015. Collection method: clinical testing. Allele origin: germline.

NM_022356.4(P3H1):c.2055+192C>T

Gene: P3H1 (prolyl 3-hydroxylase 1; minus strand). Cytogenetic location: 1p34.2.
Variant type: single nucleotide variant.
Coding change: c.2055+192C>T on transcript NM_022356.4 (MANE Select); 192 bases into the intron after coding-DNA position 2055, C replaced by T.
Molecular consequence: intron variant. On other transcripts: synonymous variant (1).
Genome position (GRCh38, 1-based): chr1:42,747,080, G>A on the plus strand (C>T on the coding strand, the complement: P3H1 is on the minus strand). VCF-style: chr1-42747080-G-A. GRCh37 (hg19) VCF-style: chr1-43212751-G-A.
Other names: c.2247C>T, p.Asn749= (NM_001243246.2); c.2074+173C>T (NM_001146289.2).
Identifiers: ClinVar variation 4969770 (VCV004969770.2).